The following is an entry in ClinVar:

ClinVar aggregate classification (germline): Conflicting classifications of pathogenicity. Review status: criteria provided, conflicting classifications (1 of 4 stars). 2 submissions from 2 submitters: Uncertain significance (1); Likely benign (1). Last evaluated 2024-07-31.

Conditions:
Kufor-Rakeb syndrome (KRS). Also called: PARKINSON DISEASE 9, AUTOSOMAL RECESSIVE, JUVENILE-ONSET. Identifiers: Orphanet 306674, Orphanet 314632, MedGen C1847640, MONDO:0011706, OMIM 606693.
Autosomal recessive spastic paraplegia type 78. Identifiers: Orphanet 513436, MedGen C5567893, MONDO:0014975, OMIM 617225.

Allele frequency attached by ClinVar (database versions not stated): gnomAD 0.00001; gnomAD exomes 0.00001; TOPMed 0.00001.
gnomAD v4.1: 16 of 1,613,890 alleles (0.00099%); highest among the groups gnomAD compares: Middle Eastern, 0.016%; no homozygotes.

Submissions (2):

Blueprint Genetics
Classification: Likely benign. Last evaluated: 2024-07-31. Review status: criteria provided, single submitter. Criteria: ACMG Guidelines, 2015. Collection method: clinical testing. Allele origin: germline.

Labcorp Genetics (formerly Invitae), Labcorp
Classification: Uncertain significance for Kufor-Rakeb syndrome; Autosomal recessive spastic paraplegia type 78. Last evaluated: 2022-05-27. Review status: criteria provided, single submitter. Criteria: Invitae Variant Classification Sherloc (09022015). Collection method: clinical testing. Allele origin: germline.
Comment: In summary, the available evidence is currently insufficient to determine the role of this variant in disease. Therefore, it has been classified as a Variant of Uncertain Significance. Algorithms developed to predict the effect of sequence changes on RNA splicing suggest that this variant may create or strengthen a splice site. Advanced modeling of protein sequence and biophysical properties (such as structural, functional, and spatial information, amino acid conservation, physicochemical variation, residue mobility, and thermodynamic stability) performed at Invitae indicates that this missense variant is not expected to disrupt ATP13A2 protein function. This variant has not been reported in the literature in individuals affected with ATP13A2-related conditions. This variant is present in population databases (rs751014737, gnomAD 0.003%). This sequence change replaces arginine, which is basic and polar, with glutamine, which is neutral and polar, at codon 161 of the ATP13A2 protein (p.Arg161Gln).

NM_022089.4(ATP13A2):c.482G>A (p.Arg161Gln)

Gene: ATP13A2 (ATPase cation transporting 13A2; minus strand). Cytogenetic location: 1p36.13.
Variant type: single nucleotide variant.
Coding change: c.482G>A on transcript NM_022089.4 (MANE Select); coding-DNA position 482, G replaced by A.
Protein change: p.Arg161Gln; replaces arginine 161 with glutamine.
Molecular consequence: missense variant.
Genome position (GRCh38, 1-based): chr1:17,004,407, C>T on the plus strand (G>A on the coding strand, the complement: ATP13A2 is on the minus strand). VCF-style: chr1-17004407-C-T. GRCh37 (hg19) VCF-style: chr1-17330902-C-T.
Other names: c.467G>A, p.Arg156Gln (NM_001141973.3, NM_001141974.3); short protein forms R156Q, R161Q.
Identifiers: ClinVar variation 2149066 (VCV002149066.3), dbSNP rs751014737, ClinGen allele CA18645720.